The following is an entry in ClinVar:

ClinVar aggregate classification (germline): Pathogenic. Review status: criteria provided, multiple submitters, no conflicts (2 of 4 stars). 2 submissions from 2 submitters: Pathogenic (2). Last evaluated 2024-08-26.

Conditions:
Retinoblastoma (RB1). Also called: RETINOBLASTOMA, SOMATIC. Identifiers: Orphanet 790, MedGen C0035335, MeSH D012175, MONDO:0008380, OMIM 180200, HP:0009919. Disease mechanism: loss of function. Inheritance: Both sporadic and heritable forms are tested..

Submissions (2):

GeneDx
Classification: Pathogenic. Last evaluated: 2024-08-26. Review status: criteria provided, single submitter. Criteria: GeneDx Variant Classification Process June 2021. Collection method: clinical testing. Allele origin: germline. Affected: yes.
Comment: Nonsense variant predicted to result in protein truncation or nonsense mediated decay in a gene for which loss of function is a known mechanism of disease; Not observed at significant frequency in large population cohorts (gnomAD); This variant is associated with the following publications: (PMID: 29847298)

Genetic Diagnostic Laboratory, University of Pennsylvania School of Medicine
Classification: Pathogenic for Retinoblastoma. Last evaluated: 2024-05-20. Review status: criteria provided, single submitter. Criteria: ACMG Guidelines, 2015. Collection method: clinical testing. Allele origin: germline. Affected: yes. Observed: 1 variant allele.
Comment: Case and Pedigree Information: BILATERAL CASES:1, UNILATERAL CASES:0, TOTAL CASES:1, PEDIGREES:1. ACMG Codes Applied:PVS1, PM2

NM_000321.3(RB1):c.1995_1996del (p.Leu665_Cys666insTer)

Gene: RB1 (RB transcriptional corepressor 1; plus strand). Cytogenetic location: 13q14.2.
Variant type: Deletion.
Coding change: c.1995_1996del on transcript NM_000321.3 (MANE Select); coding-DNA positions 1995 to 1996, 2 bases deleted (TT; older notation c.1995_1996delTT).
Protein change: p.Leu665_Cys666insTer.
Molecular consequence: frameshift variant.
Genome position (GRCh38, 1-based): chr13:48,459,722-48,459,723, TT deleted; deleting any 2 consecutive bases within chr13:48,459,721-48,459,723 gives the same sequence; the c. name uses the placement nearest the transcript's 3' end. VCF-style (leftmost placement, unchanged base first): chr13-48459720-CTT-C. GRCh37 (hg19) VCF-style: chr13-49033856-CTT-C.
Other names: c.1995_1996del, p.Leu665_Cys666insTer (NM_001407165.1); c.1995_1996del (NM_000321.2).
Identifiers: ClinVar variation 3237055 (VCV003237055.2), dbSNP rs2138335981.